The following is an entry in ClinVar:

ClinVar aggregate classification (germline): Uncertain significance (1 of 4 stars; one submission).

Conditions:
Aortic valve disease 3. Identifiers: MedGen C5193127, MONDO:0032783, OMIM 618496.

Submission:

Victorian Clinical Genetics Services, Murdoch Childrens Research Institute
Classification: Uncertain significance for Aortic valve disease 3. Last evaluated: 2025-05-14. Review status: criteria provided, single submitter. Criteria: ACMG Guidelines, 2015. Collection method: clinical testing. Allele origin: germline. Affected: yes.
Comment: This variant is classified as VUS-3B. Evidence in support of pathogenic classification: Variant is predicted to cause nonsense-mediated decay (NMD) and loss of protein (premature termination codon is located at least 54 nucleotides upstream of the final exon-exon junction); Variant is absent from gnomAD (v2, v3 and v4). Additional information: This variant is heterozygous; This gene is associated with autosomal dominant disease; Alternative NMD-predicted variants are present in gnomAD (Highest allele counts: v4: 108 heterozygote(s), 1 homozygote(s)); This variant has no previous evidence of pathogenicity; No published segregation evidence has been identified for this variant; No published functional evidence has been identified for this variant; Other NMD-predicted variants comparable to the one identified in this case have inconclusive previous evidence for pathogenicity. These variants have been reported as likely pathogenic and as VUS by clinical laboratories in ClinVar. They have also been reported in the literature in individuals with bicuspid aortic valve, thoracic aortic aneurysm or aortic valve disease, however some variants have very high allele counts in gnomAD v4 (PMIDs: 30455415, 32748548); The mechanism of disease for this gene is not clearly established. Functional studies and animal models are inconclusive (PMID: 30455415); The condition associated with this gene is suspected of incomplete penetrance (PMID: 30455415).

Literature cited by the submitters: PubMed 32748548; PubMed 30455415.

NM_019055.6(ROBO4):c.1825_1829del (p.Pro609fs)

Gene: ROBO4 (roundabout guidance receptor 4; minus strand). Cytogenetic location: 11q24.2.
Variant type: Deletion.
Coding change: c.1825_1829del on transcript NM_019055.6 (MANE Select); coding-DNA positions 1825 to 1829, 5 bases deleted (CCCCA; older notation c.1825_1829delCCCCA).
Protein change: p.Pro609fs; shifts the reading frame from proline 609.
Molecular consequence: frameshift variant.
Genome position (GRCh38, 1-based): chr11:124,891,418-124,891,422, TGGGG deleted on the plus strand (CCCCA on the coding strand, the reverse complement: ROBO4 is on the minus strand); deleting any 5 consecutive bases within chr11:124,891,418-124,891,426 gives the same sequence; the c. name uses the placement nearest the transcript's 3' end. VCF-style (leftmost placement, unchanged base first): chr11-124891417-CTGGGG-C. GRCh37 (hg19) VCF-style: chr11-124761313-CTGGGG-C.
Other names: c.1390_1394del, p.Pro464fs (NM_001301088.2); c.1825_1829del, p.Pro609fs (NM_001441183.1); short protein forms P464fs, P609fs.
Identifiers: ClinVar variation 4531814 (VCV004531814.1).
Genomic context (GRCh38, chr11:124,891,417, plus strand): 5'-GAGTCCCCTGCGGCTGCAGAGGCTGTCTGAGCTGGAACAGGGGCTGGAGAGCTGGGCCAG[CTGGGG>C]TGGGAGGCGCCTGACAGCTGGGACCTGGGGACTTGGCCTGGCTGGGGTACTGGAGGGCAG-3'